The following is an entry in ClinVar:

NM_000169.3(GLA):c.352C>T (p.Arg118Cys)

Genes: GLA (galactosidase alpha; minus strand), RPL36A-HNRNPH2 (RPL36A-HNRNPH2 readthrough; plus strand). Cytogenetic location: Xq22.1.
Variant type: single nucleotide variant.
Coding change: c.352C>T on transcript NM_000169.3 (MANE Select); coding-DNA position 352, C replaced by T.
Protein change: p.Arg118Cys; replaces arginine 118 with cysteine.
Molecular consequence: missense variant. On other transcripts: non-coding transcript variant (3), intron variant (2).
Genome position (GRCh38, 1-based): chrX:101,403,828, G>A on the plus strand (C>T on the coding strand, the complement: GLA is on the minus strand). VCF-style: chrX-101403828-G-A. GRCh37 (hg19) VCF-style: chrX-100658816-G-A.
Other names: p.R118C:CGC>TGC; c.475C>T, p.Arg159Cys (NM_001406747.1, NM_001406749.1); c.352C>T, p.Arg118Cys (NM_001406748.1); c.301-8108G>A (NM_001199973.2); c.178-8108G>A (NM_001199974.2); c.352C>T (NM_000169.2); short protein forms R118C, R159C.
Identifiers: ClinVar variation 42454 (VCV000042454.86), dbSNP rs148158093, ClinGen allele CA021658.
Genomic context (GRCh38, chrX:101,403,828, plus strand): 5'-TTACAGTCCTCTGAATGAACAAGAACATTATCTATAAACTCACATAATTAGCTAGCTGGC[G>A]AATCCCATGAGGAAAGCGCTGAGGGTCTGCCTGAAGTCTGCCTTCTGAATCTCTTTGGGG-3'
Protein context (NP_000160.1, residues 108-128): ADPQRFPHGI[Arg118Cys]QLANYVHSKG

ClinVar aggregate classification (germline): Conflicting classifications of pathogenicity. Review status: criteria provided, conflicting classifications (1 of 4 stars). 28 submissions from 28 submitters: Uncertain significance (19); Likely benign (4). 5 of the submissions do not count toward it. Last evaluated 2026-09-08.

Conditions:
GLA-related disorder. Also called: GLA-related condition.
Cardiovascular phenotype. Identifiers: MedGen CN230736.
Cardiomyopathy (CMYO). Also called: Cardiomyopathies. Identifiers: Orphanet 167848, MedGen C0878544, MONDO:0004994, HP:0001638. Inheritance: Various modes of inheritance.
Fabry disease. Also called: GLA DEFICIENCY; HEREDITARY DYSTOPIC LIPIDOSIS; Angiokeratoma corporis diffusum; Fabry's disease; ALPHA-GALACTOSIDASE A DEFICIENCY; ANDERSON-FABRY DISEASE. Identifiers: Orphanet 324, MedGen C0002986, MONDO:0010526, OMIM 301500, HP:0001071. Disease mechanism: Fabry disease is due to inactivating mutations in the X-linked GLA gene resulting in deficiency of the enzyme Alpha Galactosidase-A., loss of function.

Allele frequency attached by ClinVar (database versions not stated): gnomAD 0.00040 and 0.00041; gnomAD exomes 0.00063 and 0.00022; TOPMed 0.00040; ExAC 0.00025; ESP Exome Variant Server 0.00038.
gnomAD v4.1: 732 of 1,209,304 alleles (0.061%); highest among the groups gnomAD compares: Non-Finnish European, 0.076%; 2 homozygotes.

Submissions 1 to 7 of 28:

Genomenon, Inc
Classification: Uncertain significance for Fabry disease. Last evaluated: 2026-09-08. Review status: criteria provided, single submitter. Criteria: Genomenon Sequence Variant Interpretation Standards - Updated. Collection method: curation. Allele origin: germline. Affected: yes.
Comment: GLA p.Arg118Cys (c.352C>T) is a missense variant that changes the amino acid at codon 118 from Arginine to Cysteine. This variant has been observed in at least one proband with clinical features consistent with Fabry disease (PMID:31907047;31566927;31291414;32198894;36745055;29853467;31996269;20122163;36624527;38395389). Functional or patient cell studies have been reported (PMID:27657681;26070511;22205110;27788225;23935525;39704415;25409744;32023956;26866599;34190205). In silico models predict that this variant is possibly or probably damaging. In conclusion, we classify GLA p.Arg118Cys (c.352C>T) as a variant of uncertain significance.

Serv. Biochemistry and Molecular genetics, Hospital Clinic de Barcelona, Hospital Clínic de Barcelona
Classification: Likely benign for Fabry disease. Last evaluated: 2026-05-21. Review status: criteria provided, single submitter. Criteria: ACMG Guidelines, 2015. Collection method: clinical testing. Allele origin: germline. Inheritance: X-linked inheritance. Affected: yes. Observed: 2 variant alleles.
Comment: Classification reported in the manuscript using ACMG criteria/in silico tools: Benign. Variant type: Missense; amino acid change: p.Arg118Cys. Criteria: PM1, PM2, PP3, BS2, BP6

PreventionGenetics, part of Exact Sciences
Classification: Uncertain significance for GLA-related condition. Last evaluated: 2026-03-20. Review status: criteria provided, single submitter. Criteria: ACMG Guidelines, 2015. Collection method: clinical testing. Allele origin: germline.
Comment: The GLA c.352C>T variant is predicted to result in the amino acid substitution p.Arg118Cys. This variant has an extensive history of conflicting literature regarding its contribution to Fabry disease phenotypes. It has been reported in multiple individuals with late-onset Fabry disease (examples include: Spada et al. 2006. PubMed ID: 16773563; Baptista et al. 2010. PubMed ID: 20110537; Gaspar et al. 2010. PubMed ID: 20122163). However, it was also shown not to segregate with clinical, biochemical or histopathology features of Fabry disease in a large cohort, including in three phenotypically unaffected individuals who were homozygous for the c.352C>T variant (Ferreira et al. 2015. PubMed ID: 25468652). This variant has been observed in 48 of ~205,000 alleles in the gnomAD general population database including 17 hemizygous males. Enzyme analysis from patient cell lines and transient mammalian expression systems indicate that the p.Arg118Cys substitution causes a reduction in activity (<25% of wild-type; Lukas et al. 2013. PubMed ID: 23935525; Spada et al. 2006. PubMed ID: 16773563). In ClinVar, this variant has conflicting interpretations ranging from uncertain to likely benign (ClinVar ID: 42454). Taken together, it is possible that the c.352C>T allele poses an increased risk for Fabry-associated phenotypes; however, at present, this variant is classified as a variant of uncertain significance for Mendelian disease.

Labcorp Genetics (formerly Invitae), Labcorp
Classification: Uncertain significance for Fabry disease. Last evaluated: 2026-01-31. Review status: criteria provided, single submitter. Criteria: Invitae Variant Classification Sherloc (09022015). Collection method: clinical testing. Allele origin: germline.
Comment: This sequence change replaces arginine, which is basic and polar, with cysteine, which is neutral and slightly polar, at codon 118 of the GLA protein (p.Arg118Cys). This variant is present in population databases (rs148158093, gnomAD 0.04%), and has an allele count higher than expected for a pathogenic variant. This missense change has been observed in individual(s) with mild, atypical or late-onset Fabry disease (PMID: 16773563, 18830871, 20110537, 20122163, 21890869, 22551898, 25179549, 25468652, 29631605, 30569317, 30773290). ClinVar contains an entry for this variant (Variation ID: 42454). Invitae Evidence Modeling of protein sequence and biophysical properties (such as structural, functional, and spatial information, amino acid conservation, physicochemical variation, residue mobility, and thermodynamic stability) indicates that this missense variant is expected to disrupt GLA protein function with a positive predictive value of 80%. Experimental studies have shown that this missense change affects GLA function (PMID: 16773563, 23935525). In summary, the available evidence is currently insufficient to determine the role of this variant in disease. Therefore, it has been classified as a Variant of Uncertain Significance.

Ambry Genetics
Classification: Likely benign for Cardiovascular phenotype. Last evaluated: 2025-12-08. Review status: criteria provided, single submitter. Criteria: Ambry Variant Classification Scheme 2023. Collection method: clinical testing. Allele origin: germline.

Women's Health and Genetics/Laboratory Corporation of America, LabCorp
Classification: Uncertain significance. Last evaluated: 2025-08-12. Review status: criteria provided, single submitter. Criteria: LabCorp Variant Classification Summary - May 2015. Collection method: clinical testing. Allele origin: germline.
Comment: Variant summary: GLA c.352C>T (p.Arg118Cys) results in a non-conservative amino acid change in the encoded protein sequence. Algorithms developed to predict the effect of missense changes on protein structure and function are either unavailable or do not agree on the potential impact of this missense change. The variant allele was found at a frequency of 0.00023 in 184752 control chromosomes. This frequency is not significantly higher than estimated for a pathogenic variant in GLA causing Fabry Disease (0.00023 vs 0.005). However, the finding of multiple hemizygous occurrences in gnomAD may be evidence against pathogenicity, although the possibility of reduced penetrance and/or subclinical cases cannot be ruled out. c.352C>T has been observed in patients predominantly of Portuguese or Spanish ancestry, with clinical features ranging from no symptoms to acute cerebrovascular disease, ischemic stroke, intracerebral hemorrhage, cerebral venous thrombosis, kidney diseases, dilated cardiomyopathy, and hypertrophic cardiomyopathy (e.g. Morais_2008, Baptista_2010, Gaspar_2010, Valbuena_2012, Rolfs _2013, Caetano_2014, Golbus_2014, Alharbi_2019, Varela_2020, Delarosa-Rodriguez_2021). In patients (harboring this variant) who presented with cardiological manifestations that are shared by Fabry disease (FD) as well as other independent cardiac phenotypes (such as DCM), a deleterious variant was also found (TPM1 D230N; Golbus_2014). Additionally, this variant has been reported in patients who did not meet clinical criteria for FD (e.g. Morais_2008, Kilarski_2015, de Greef_2016, Nowak_2019, Azevedo_2020, Stiles_2020). Furthermore, Ferreira et al (2015) reviewed the clinical, biochemical and histopathology data obtained from 22 individuals of Portuguese and Spanish ancestry carrying the R118C allele and concluded that the variant did not segregate with FD clinical phenotypes in a Mendelian fashion, but might be a modulator of the multifactorial risk of cerebrovascular disease. Additionally, co-occurrence of the variant in cis with a pathogenic variant (GLA deletion of exons 3 and 4) was reported in a multi-generational family affected with Fabry Disease, providing supporting evidence for a benign role (Barbeito-Caamano_2018). Although in vitro studies strongly suggest decreased enzymatic activity associated with this variant (Lukas_2013, Spada_2006), enzymatic evaluation in patients' blood or plasma varied from reduced enzymatic level to normal levels. The following publications have been ascertained in the context of this evaluation (PMID: 31654629, 20716442, 32531501, 31860127, 20110537, 28941980, 24661928, 31566927, 31291414, 22437327, 33527381, 25468652, 20122163, 25179549, 26305465, 23935525, 18830871, 24395922, 31449323, 24582695, 23306324, 31907047, 24829596, 28409012, 16773563, 32418857, 30569317, 22551898, 22205110, 31996269, 26866599, 23922385). ClinVar contains an entry for this variant (Variation ID: 42454). Based on the evidence outlined above, the variant was classified as uncertain significance.

Revvity Omics, Revvity
Classification: Uncertain significance. Last evaluated: 2025-05-26. Review status: criteria provided, single submitter. Criteria: ACMG Guidelines, 2015. Collection method: clinical testing. Allele origin: germline.